The following is an entry in ClinVar:

ClinVar aggregate classification (germline): Uncertain significance. Review status: criteria provided, multiple submitters, no conflicts (2 of 4 stars). 3 submissions from 3 submitters: Uncertain significance (3). Last evaluated 2025-06-07.

Conditions:
Inborn genetic diseases. Identifiers: MedGen C0950123, MeSH D030342.
Autosomal recessive limb-girdle muscular dystrophy type 2Q (LGMDR17). Also called: MUSCULAR DYSTROPHY, LIMB-GIRDLE, AUTOSOMAL RECESSIVE 17. Identifiers: Orphanet 254361, MedGen C3150989, MONDO:0013390, OMIM 613723.
Epidermolysis bullosa simplex 5B, with muscular dystrophy (EBS5B). Also called: Epidermolysis bullosa simplex with muscular dystrophy; EPIDERMOLYSIS BULLOSA SIMPLEX AND LIMB-GIRDLE MUSCULAR DYSTROPHY. Identifiers: Orphanet 257, MedGen C2931072, MONDO:0009181, OMIM 226670.
Epidermolysis bullosa simplex, Ogna type (EBS5A). Also called: Pidermolysis bullosa simplex 5A, Ogna type; EPIDERMOLYSIS BULLOSA SIMPLEX 5A, OGNA TYPE. Identifiers: Orphanet 79401, MedGen C0432317, MONDO:0007555, OMIM 131950.
Epidermolysis bullosa simplex 5C, with pyloric atresia (EBS5C). Also called: PLEC1-Related Epidermolysis Bullosa with Pyloric Atresia; Epidermolysis bullosa simplex with pyloric atresia; PLEC-Related Epidermolysis Bullosa with Pyloric Atresia. Identifiers: Orphanet 158684, MedGen C2677349, MONDO:0012807, OMIM 612138.
Epidermolysis bullosa simplex with nail dystrophy (EBS5D). Identifiers: MedGen C4225309, MONDO:0014661, OMIM 616487.

Allele frequency attached by ClinVar (database versions not stated): gnomAD 0.00002; TOPMed 0.00002; ExAC 0.00004; gnomAD exomes 0.00005.
gnomAD v4.1: 29 of 1,613,026 alleles (0.0018%); highest among the groups gnomAD compares: Admixed American, 0.017%; no homozygotes.

Submissions (3):

Ambry Genetics
Classification: Uncertain significance for Inborn genetic diseases. Last evaluated: 2025-06-07. Review status: criteria provided, single submitter. Criteria: Ambry Variant Classification Scheme 2023. Collection method: clinical testing. Allele origin: germline.

Labcorp Genetics (formerly Invitae), Labcorp
Classification: Uncertain significance for Autosomal recessive limb-girdle muscular dystrophy type 2Q; Epidermolysis bullosa simplex, Ogna type; Epidermolysis bullosa simplex with nail dystrophy; Epidermolysis bullosa simplex 5C, with pyloric atresia; Epidermolysis bullosa simplex 5B, with muscular dystrophy. Last evaluated: 2023-11-17. Review status: criteria provided, single submitter. Criteria: Invitae Variant Classification Sherloc (09022015). Collection method: clinical testing. Allele origin: germline.
Comment: This sequence change replaces glutamic acid, which is acidic and polar, with lysine, which is basic and polar, at codon 3705 of the PLEC protein (p.Glu3705Lys). This variant is present in population databases (rs782377451, gnomAD 0.02%). This variant has not been reported in the literature in individuals affected with PLEC-related conditions. ClinVar contains an entry for this variant (Variation ID: 854402). An algorithm developed to predict the effect of missense changes on protein structure and function (PolyPhen-2) suggests that this variant is likely to be disruptive. In summary, the available evidence is currently insufficient to determine the role of this variant in disease. Therefore, it has been classified as a Variant of Uncertain Significance.

Revvity Omics, Revvity
Classification: Uncertain significance. Last evaluated: 2022-03-09. Review status: criteria provided, single submitter. Criteria: ACMG Guidelines, 2015. Collection method: clinical testing. Allele origin: germline.

NM_201384.3(PLEC):c.11032G>A (p.Glu3678Lys)

Gene: PLEC (plectin; minus strand). Cytogenetic location: 8q24.3.
Variant type: single nucleotide variant.
Coding change: c.11032G>A on transcript NM_201384.3 (MANE Select); coding-DNA position 11032, G replaced by A.
Protein change: p.Glu3678Lys; replaces glutamic acid 3678 with lysine.
Molecular consequence: missense variant.
Genome position (GRCh38, 1-based): chr8:143,918,789, C>T on the plus strand (G>A on the coding strand, the complement: PLEC is on the minus strand). VCF-style: chr8-143918789-C-T. GRCh37 (hg19) VCF-style: chr8-144992957-C-T.
Other names: c.11113G>A, p.Glu3705Lys (NM_000445.5); c.10990G>A, p.Glu3664Lys (NM_201378.4); c.10966G>A, p.Glu3656Lys (NM_201379.3); c.11443G>A, p.Glu3815Lys (NM_201380.4); c.10936G>A, p.Glu3646Lys (NM_201381.3); c.11032G>A, p.Glu3678Lys (NM_201382.4); c.11044G>A, p.Glu3682Lys (NM_201383.3); c.11113G>A (NM_000445.3); short protein forms E3656K, E3646K, E3705K, E3682K, E3664K, E3678K, E3815K.
Identifiers: ClinVar variation 854402 (VCV000854402.10), dbSNP rs782377451, ClinGen allele CA4924454.